The following is an entry in ClinVar:

NM_001035.3(RYR2):c.1170+265T>C

Gene: RYR2 (ryanodine receptor 2; plus strand). Cytogenetic location: 1q43.
Variant type: single nucleotide variant.
Coding change: c.1170+265T>C on transcript NM_001035.3 (MANE Select); 265 bases into the intron after coding-DNA position 1170, T replaced by C.
Molecular consequence: intron variant.
Genome position (GRCh38, 1-based): chr1:237,441,748, T>C. VCF-style: chr1-237441748-T-C. GRCh37 (hg19) VCF-style: chr1-237605048-T-C.
Identifiers: ClinVar variation 670937 (VCV000670937.1), dbSNP rs2998402, ClinGen allele CA10893695.

ClinVar aggregate classification (germline): Benign (1 of 4 stars; one submission).

Allele frequency attached by ClinVar (database versions not stated): gnomAD 0.17442 and 0.18232; TOPMed 0.19499; 1000 Genomes Project 0.22165; 1000 Genomes Project 30x 0.23282.
gnomAD v4.1: 26,264 of 152,036 alleles (17%); highest among the groups gnomAD compares: African/African-American, 52%; 5,905 homozygotes.

Submission:

GeneDx
Classification: Benign. Last evaluated: 2018-06-18. Review status: criteria provided, single submitter. Criteria: GeneDx Variant Classification (06012015). Collection method: clinical testing. Allele origin: germline. Affected: yes.
Comment: This variant is considered likely benign or benign based on one or more of the following criteria: it is a conservative change, it occurs at a poorly conserved position in the protein, it is predicted to be benign by multiple in silico algorithms, and/or has population frequency not consistent with disease.